The following is an entry in ClinVar:

NM_000726.5(CACNB4):c.*1186G>T

Gene: CACNB4 (calcium voltage-gated channel auxiliary subunit beta 4; minus strand). Cytogenetic location: 2q23.3.
Variant type: single nucleotide variant.
Coding change: c.*1186G>T on transcript NM_000726.5 (MANE Select); 1186 bases downstream of the stop codon, G replaced by T.
Molecular consequence: 3 prime UTR variant.
Genome position (GRCh38, 1-based): chr2:151,837,933, C>A on the plus strand (G>T on the coding strand, the complement: CACNB4 is on the minus strand). VCF-style: chr2-151837933-C-A. GRCh37 (hg19) VCF-style: chr2-152694447-C-A.
Other names: c.*1186G>T (NM_001005746.4, NM_001005747.4, NM_001145798.3 and 7 more transcripts).
Identifiers: ClinVar variation 331609 (VCV000331609.7), dbSNP rs72868010, ClinGen allele CA10612326.

ClinVar aggregate classification (germline): Benign. Review status: criteria provided, multiple submitters, no conflicts (2 of 4 stars). 2 submissions from 2 submitters: Benign (2). Last evaluated 2018-01-12.

Conditions:
Episodic ataxia type 5. Identifiers: Orphanet 211067, MedGen C1866039, MONDO:0013464, OMIM 613855.

Allele frequency attached by ClinVar (database versions not stated): 1000 Genomes Project 0.04772; gnomAD 0.09750; 1000 Genomes Project 30x 0.04841; TOPMed 0.09510.

Submissions (2):

Illumina Laboratory Services, Illumina
Classification: Benign for Episodic ataxia type 5. Last evaluated: 2018-01-12. Review status: criteria provided, single submitter. Criteria: ICSL Variant Classification Criteria 13 December 2019. Collection method: clinical testing. Allele origin: germline.
Comment: This variant was observed in the ICSL laboratory as part of a predisposition screen in an ostensibly healthy population. It had not been previously curated by ICSL or reported in the Human Gene Mutation Database (HGMD: prior to June 1st, 2018), and was therefore a candidate for classification through an automated scoring system. Utilizing variant allele frequency, disease prevalence and penetrance estimates, and inheritance mode, an automated score was calculated to assess if this variant is too frequent to cause the disease. Based on the score and internal cut-off values, a variant classified as benign is not then subjected to further curation. The score for this variant resulted in a classification of benign for this disease.

Breakthrough Genomics
Classification: Benign. Review status: criteria provided, single submitter. Criteria: ACMG Guidelines, 2015. Collection method: not provided. Allele origin: germline. Inheritance: Autosomal dominant inheritance. Affected: yes.